The following is an entry in ClinVar:

NM_130384.3(ATRIP):c.1222T>C (p.Phe408Leu)

Genes: ATRIP (ATR interacting protein; plus strand), ATRIP-TREX1 (ATRIP-TREX1 readthrough; plus strand). Cytogenetic location: 3p21.31.
Variant type: single nucleotide variant.
Coding change: c.1222T>C on transcript NM_130384.3 (MANE Select); coding-DNA position 1222, T replaced by C.
Protein change: p.Phe408Leu; replaces phenylalanine 408 with leucine.
Molecular consequence: missense variant. On other transcripts: non-coding transcript variant (1).
Genome position (GRCh38, 1-based): chr3:48,460,276, T>C. VCF-style: chr3-48460276-T-C. GRCh37 (hg19) VCF-style: chr3-48501675-T-C.
Other names: c.841T>C, p.Phe281Leu (NM_001271022.2); c.943T>C, p.Phe315Leu (NM_001271023.2); c.1222T>C, p.Phe408Leu (NM_032166.4); short protein forms F315L, F408L, F281L.
Identifiers: ClinVar variation 4182095 (VCV004182095.1).

ClinVar aggregate classification (germline): Uncertain significance (1 of 4 stars; one submission).

gnomAD v4.1: 1 of 1,614,112 alleles (0.000062%); highest among the groups gnomAD compares: Non-Finnish European, 0.000085%; no homozygotes.

Submission:

Ambry Genetics
Classification: Uncertain significance. Last evaluated: 2025-07-14. Review status: criteria provided, single submitter. Criteria: Ambry Variant Classification Scheme 2023. Collection method: clinical testing. Allele origin: germline.
Comment: The p.F408L variant (also known as c.1222T>C), located in coding exon 8 of the ATRIP gene, results from a T to C substitution at nucleotide position 1222. The phenylalanine at codon 408 is replaced by leucine, an amino acid with highly similar properties. This amino acid position is conserved. In addition, this alteration is predicted to be tolerated by in silico analysis. Based on the available evidence, the clinical significance of this variant remains unclear.